The following is an entry in ClinVar:

NM_006440.5(TXNRD2):c.1445+254G>A

Gene: TXNRD2 (thioredoxin reductase 2; minus strand). Cytogenetic location: 22q11.21.
Variant type: single nucleotide variant.
Coding change: c.1445+254G>A on transcript NM_006440.5 (MANE Select); 254 bases into the intron after coding-DNA position 1445, G replaced by A.
Molecular consequence: intron variant.
Genome position (GRCh38, 1-based): chr22:19,877,836, C>T on the plus strand (G>A on the coding strand, the complement: TXNRD2 is on the minus strand). VCF-style: chr22-19877836-C-T. GRCh37 (hg19) VCF-style: chr22-19865359-C-T.
Other names: c.1442+254G>A (NM_001352300.2); c.1157+254G>A (NM_001352302.2); c.1355+254G>A (NM_001352301.2).
Identifiers: ClinVar variation 672859 (VCV000672859.1), dbSNP rs16984300, ClinGen allele CA322075290.

ClinVar aggregate classification (germline): Benign (1 of 4 stars; one submission).

Allele frequency attached by ClinVar (database versions not stated): 1000 Genomes Project 0.01637; gnomAD 0.01676 and 0.01804; 1000 Genomes Project 30x 0.01702; TOPMed 0.01860.
gnomAD v4.1: 2,530 of 152,326 alleles (1.7%); highest among the groups gnomAD compares: African/African-American, 5.8%; 63 homozygotes.

Submission:

GeneDx
Classification: Benign. Last evaluated: 2018-06-14. Review status: criteria provided, single submitter. Criteria: GeneDx Variant Classification (06012015). Collection method: clinical testing. Allele origin: germline. Affected: yes.
Comment: This variant is considered likely benign or benign based on one or more of the following criteria: it is a conservative change, it occurs at a poorly conserved position in the protein, it is predicted to be benign by multiple in silico algorithms, and/or has population frequency not consistent with disease.